The following is an entry in ClinVar:

ClinVar aggregate classification (germline): Uncertain significance (1 of 4 stars; one submission).

Conditions:
Inborn genetic diseases. Identifiers: MedGen C0950123, MeSH D030342.

Submission:

Ambry Genetics
Classification: Uncertain significance for Inborn genetic diseases. Last evaluated: 2026-03-22. Review status: criteria provided, single submitter. Criteria: Ambry Variant Classification Scheme 2023. Collection method: clinical testing. Allele origin: germline.
Comment: The p.Y1543H variant (also known as c.4627T>C), located in coding exon 1 of the SAMD9 gene, results from a T to C substitution at nucleotide position 4627. The tyrosine at codon 1543 is replaced by histidine, an amino acid with similar properties. This amino acid position is conserved. In addition, this alteration is predicted to be tolerated by in silico analysis. Based on the available evidence, the clinical significance of this variant remains unclear.

NM_017654.4(SAMD9):c.4627T>C (p.Tyr1543His)

Gene: SAMD9 (sterile alpha motif domain containing 9; minus strand). Cytogenetic location: 7q21.2.
Variant type: single nucleotide variant.
Coding change: c.4627T>C on transcript NM_017654.4 (MANE Select); coding-DNA position 4627, T replaced by C.
Protein change: p.Tyr1543His; replaces tyrosine 1543 with histidine.
Molecular consequence: missense variant.
Genome position (GRCh38, 1-based): chr7:93,101,471, A>G on the plus strand (T>C on the coding strand, the complement: SAMD9 is on the minus strand). VCF-style: chr7-93101471-A-G. GRCh37 (hg19) VCF-style: chr7-92730784-A-G.
Other names: c.4627T>C, p.Tyr1543His (NM_001193307.2); short protein forms Y1543H.
Identifiers: ClinVar variation 4863765 (VCV004863765.1).